The following is an entry in ClinVar:

NM_000138.5(FBN1):c.127A>G (p.Lys43Glu)

Gene: FBN1 (fibrillin 1; minus strand). Cytogenetic location: 15q21.1.
Variant type: single nucleotide variant.
Coding change: c.127A>G on transcript NM_000138.5 (MANE Select); coding-DNA position 127, A replaced by G.
Protein change: p.Lys43Glu; replaces lysine 43 with glutamic acid.
Molecular consequence: missense variant.
Genome position (GRCh38, 1-based): chr15:48,644,643, T>C on the plus strand (A>G on the coding strand, the complement: FBN1 is on the minus strand). VCF-style: chr15-48644643-T-C. GRCh37 (hg19) VCF-style: chr15-48936840-T-C.
Other names: short protein forms K43E.
Identifiers: ClinVar variation 1313725 (VCV001313725.2), dbSNP rs751270801, ClinGen allele CA044153.

ClinVar aggregate classification (germline): Uncertain significance (1 of 4 stars; one submission).

Allele frequency attached by ClinVar (database versions not stated): gnomAD exomes below 0.00001; ExAC 0.00001.
gnomAD v4.1: 2 of 1,614,000 alleles (0.00012%); highest among the groups gnomAD compares: Non-Finnish European, 0.00017%; no homozygotes.

Submission:

GeneDx
Classification: Uncertain significance. Last evaluated: 2020-12-10. Review status: criteria provided, single submitter. Criteria: GeneDx Variant Classification Process June 2021. Collection method: clinical testing. Allele origin: germline. Affected: yes.
Comment: Has not been previously published as pathogenic or benign to our knowledge; Not observed at a significant frequency in large population cohorts (Lek et al., 2016); In silico analysis supports that this missense variant has a deleterious effect on protein structure/function; Does not affect a cysteine residue within a calcium-binding EGF-like domain of the FBN1 gene; cysteine substitutions in the calcium-binding EGF-like domains represent the majority of pathogenic missense changes associated with FBN1-related disorders (Collod-Beroud et al., 2003).